The following is an entry in ClinVar:

ClinVar aggregate classification (germline): Likely benign. Review status: criteria provided, multiple submitters, no conflicts (2 of 4 stars). 2 submissions from 2 submitters: Likely benign (2). Last evaluated 2025-08-11.

Conditions:
Early-infantile DEE. Also called: Early infantile epileptic encephalopathy; Ohtahara syndrome; Early infantile epileptic encephalopathy with suppression bursts. Identifiers: Orphanet 1934, MedGen C0393706, MONDO:0800491.

Submissions (2):

Labcorp Genetics (formerly Invitae), Labcorp
Classification: Likely benign for Early-infantile DEE. Last evaluated: 2025-08-11. Review status: criteria provided, single submitter. Criteria: Invitae Variant Classification Sherloc (09022015). Collection method: clinical testing. Allele origin: germline.

GeneDx
Classification: Likely benign. Last evaluated: 2017-10-13. Review status: criteria provided, single submitter. Criteria: GeneDx Variant Classification (06012015). Collection method: clinical testing. Allele origin: germline. Affected: yes.
Comment: This variant is considered likely benign or benign based on one or more of the following criteria: it is a conservative change, it occurs at a poorly conserved position in the protein, it is predicted to be benign by multiple in silico algorithms, and/or has population frequency not consistent with disease.

NM_001330260.2(SCN8A):c.277-23TC[2]

Gene: SCN8A (sodium voltage-gated channel alpha subunit 8; plus strand). Cytogenetic location: 12q13.13.
Variant type: Microsatellite.
Coding change: c.277-23TC[2] on transcript NM_001330260.2 (MANE Select); two copies in a row of the 2-base unit TC starting at c.277-23.
Molecular consequence: intron variant.
Genome position: GRCh38 VCF-style: chr12-51684150-TTCTC-T. GRCh37 (hg19) VCF-style: chr12-52077934-TTCTC-T.
Other names: c.277-23TC[2] (NM_014191.4, NM_001177984.3, NM_001369788.1); c.277-18_277-15delCTCT (NM_014191.3).
Identifiers: ClinVar variation 512614 (VCV000512614.9), dbSNP rs765408317, ClinGen allele CA236259294.